The following is an entry in ClinVar:

ClinVar aggregate classification (germline): Benign/Likely benign. Review status: criteria provided, multiple submitters, no conflicts (2 of 4 stars). 11 submissions from 11 submitters: Benign (7); Likely benign (3). 1 of the submissions does not count toward it. Last evaluated 2026-02-04.

Conditions:
Xeroderma pigmentosum, group F (XPF). Also called: XERODERMA PIGMENTOSUM, COMPLEMENTATION GROUP F; XERODERMA PIGMENTOSUM VI; ERCC4-Related Xeroderma Pigmentosum; XP, GROUP F; XERODERMA PIGMENTOSUM, TYPE F; Xeroderma pigmentosum, type 6. Identifiers: MedGen C0268140, MONDO:0010215, OMIM 278760.
Cockayne syndrome. Identifiers: Orphanet 191, MedGen C0009207, MONDO:0016006.
Fanconi anemia complementation group Q. Identifiers: Orphanet 84, MedGen C3808988, MONDO:0014108, OMIM 615272.

Allele frequency attached by ClinVar (database versions not stated): 1000 Genomes Project 30x 0.02764; 1000 Genomes Project 0.02855; gnomAD 0.05283 and 0.05364; TOPMed 0.05387; ESP Exome Variant Server 0.05479; ExAC 0.05570; gnomAD exomes 0.05613 and 0.06963.
gnomAD v4.1: 109,649 of 1,613,408 alleles (6.8%); highest among the groups gnomAD compares: Middle Eastern, 13%; 4,457 homozygotes.

Submissions (11):

Labcorp Genetics (formerly Invitae), Labcorp
Classification: Benign for Fanconi anemia complementation group Q; Xeroderma pigmentosum, group F; Cockayne syndrome. Last evaluated: 2026-02-04. Review status: criteria provided, single submitter. Criteria: Invitae Variant Classification Sherloc (09022015). Collection method: clinical testing. Allele origin: germline.

Mayo Clinic Laboratories, Mayo Clinic
Classification: Benign. Last evaluated: 2025-09-15. Review status: criteria provided, single submitter. Criteria: ACMG Guidelines, 2015. Collection method: clinical testing. Allele origin: germline. Observed: 8 variant alleles.
Comment: BA1

ARUP Laboratories, Molecular Genetics and Genomics, ARUP Laboratories
Classification: Benign. Last evaluated: 2025-07-21. Review status: criteria provided, single submitter. Criteria: ARUP Molecular Germline Variant Investigation Process 2024. Collection method: clinical testing. Allele origin: germline.

Blueprint Genetics
Classification: Likely benign. Last evaluated: 2024-11-27. Review status: criteria provided, single submitter. Criteria: ACMG Guidelines, 2015. Collection method: clinical testing. Allele origin: germline.

KCCC/NGS Laboratory, Kuwait Cancer Control Center
Classification: Benign for Xeroderma pigmentosum, group F. Last evaluated: 2023-07-07. Review status: criteria provided, single submitter. Criteria: ACMG Guidelines, 2015. Collection method: clinical testing. Allele origin: germline. Affected: yes.

Women's Health and Genetics/Laboratory Corporation of America, LabCorp
Classification: Likely benign. Last evaluated: 2021-12-10. Review status: criteria provided, single submitter. Criteria: LabCorp Variant Classification Summary - May 2015. Collection method: clinical testing. Allele origin: germline.

GeneDx
Classification: Benign. Last evaluated: 2019-02-28. Review status: criteria provided, single submitter. Criteria: GeneDx Variant Classification Process June 2021. Collection method: clinical testing. Allele origin: germline. Affected: yes.
Comment: This variant is associated with the following publications: (PMID: 24802942, 27153395, 24651674)

Illumina Laboratory Services, Illumina
Classification: Benign for Xeroderma pigmentosum, group F. Last evaluated: 2018-01-13. Review status: criteria provided, single submitter. Criteria: ICSL Variant Classification Criteria 13 December 2019. Collection method: clinical testing. Allele origin: germline.
Comment: This variant was observed in the ICSL laboratory as part of a predisposition screen in an ostensibly healthy population. It had not been previously curated by ICSL or reported in the Human Gene Mutation Database (HGMD: prior to June 1st, 2018), and was therefore a candidate for classification through an automated scoring system. Utilizing variant allele frequency, disease prevalence and penetrance estimates, and inheritance mode, an automated score was calculated to assess if this variant is too frequent to cause the disease. Based on the score and internal cut-off values, a variant classified as benign is not then subjected to further curation. The score for this variant resulted in a classification of benign for this disease.

Breakthrough Genomics
Classification: Likely benign. Review status: criteria provided, single submitter. Criteria: ACMG Guidelines, 2015. Collection method: not provided. Allele origin: germline. Inheritance: Autosomal recessive inheritance. Affected: yes.

PreventionGenetics, part of Exact Sciences
Classification: Benign. Review status: criteria provided, single submitter. Criteria: ACMG Guidelines, 2015. Collection method: clinical testing. Allele origin: germline.

ITMI
No classification provided. Condition: AllHighlyPenetrant. Last evaluated: 2013-09-19. Review status: no classification provided. Collection method: reference population. Allele origin: germline. Not counted in ClinVar's aggregate classification.
Comment: Please see associated publication for description of ethnicities

Literature cited by the submitters: PubMed 24728327 (cited by ITMI).

NM_005236.3(ERCC4):c.1244G>A (p.Arg415Gln)

Gene: ERCC4 (ERCC excision repair 4, endonuclease catalytic subunit; plus strand). Cytogenetic location: 16p13.12.
Variant type: single nucleotide variant.
Coding change: c.1244G>A on transcript NM_005236.3 (MANE Select); coding-DNA position 1244, G replaced by A.
Protein change: p.Arg415Gln; replaces arginine 415 with glutamine.
Molecular consequence: missense variant.
Genome position (GRCh38, 1-based): chr16:13,935,176, G>A. VCF-style: chr16-13935176-G-A. GRCh37 (hg19) VCF-style: chr16-14029033-G-A.
Other names: short protein forms R415Q.
Identifiers: ClinVar variation 134155 (VCV000134155.22), dbSNP rs1800067, ClinGen allele CA158927.